The following is an entry in ClinVar:

ClinVar aggregate classification (germline): Uncertain significance (1 of 4 stars; one submission).

Conditions:
Cerebral folate transport deficiency. Also called: FOLATE RECEPTOR DEFICIENCY; NEURODEGENERATION DUE TO CEREBRAL FOLATE TRANSPORT DEFICIENCY; Cerebral folate deficiency syndrome; Neurodegenerative syndrome due to cerebral folate transport deficiency; FOLR1-Related Cerebral Folate Transport Deficiency. Identifiers: Orphanet 217382, MedGen C2751584, MONDO:0013110, OMIM 613068. Disease mechanism: loss of function.

Allele frequency attached by ClinVar (database versions not stated): gnomAD exomes below 0.00001 and 0.00001; gnomAD 0.00001.
gnomAD v4.1: 3 of 1,614,184 alleles (0.00019%); highest among the groups gnomAD compares: East Asian, 0.0022%; no homozygotes.

Submission:

Labcorp Genetics (formerly Invitae), Labcorp
Classification: Uncertain significance for Cerebral folate transport deficiency. Last evaluated: 2024-09-09. Review status: criteria provided, single submitter. Criteria: Invitae Variant Classification Sherloc (09022015). Collection method: clinical testing. Allele origin: germline.
Comment: This sequence change replaces glutamine, which is neutral and polar, with arginine, which is basic and polar, at codon 3 of the FOLR1 protein (p.Gln3Arg). This variant is present in population databases (no rsID available, gnomAD 0.003%). This variant has not been reported in the literature in individuals affected with FOLR1-related conditions. ClinVar contains an entry for this variant (Variation ID: 1345150). An algorithm developed to predict the effect of missense changes on protein structure and function outputs the following: PolyPhen-2: "Benign". The arginine amino acid residue is found in multiple mammalian species, which suggests that this missense change does not adversely affect protein function. In summary, the available evidence is currently insufficient to determine the role of this variant in disease. Therefore, it has been classified as a Variant of Uncertain Significance.

NM_016729.3(FOLR1):c.8A>G (p.Gln3Arg)

Genes: FOLR1 (folate receptor alpha; plus strand), FOLR1-AS1 (FOLR1 antisense RNA 1; minus strand). Cytogenetic location: 11q13.4.
Variant type: single nucleotide variant.
Coding change: c.8A>G on transcript NM_016729.3 (MANE Select); coding-DNA position 8, A replaced by G.
Protein change: p.Gln3Arg; replaces glutamine 3 with arginine.
Molecular consequence: missense variant.
Genome position (GRCh38, 1-based): chr11:72,192,181, A>G. VCF-style: chr11-72192181-A-G. GRCh37 (hg19) VCF-style: chr11-71903225-A-G.
Other names: c.8A>G, p.Gln3Arg (NM_000802.3, NM_016724.3, NM_016725.3); short protein forms Q3R.
Identifiers: ClinVar variation 1345150 (VCV001345150.8), dbSNP rs1261674339, ClinGen allele CA381728734.
Genomic context (GRCh38, chr11:72,192,181, plus strand): 5'-CACCTCCGCATTCCTTGGTGCCACTGACCACAGCTCTTTCTTCAGGGACAGACATGGCTC[A>G]GCGGATGACAACACAGCTGCTGCTCCTTCTAGTGTGGGTGGCTGTAGTAGGGGAGGCTCA-3'
Protein context (NP_057941.1, residues 1-13): MA[Gln3Arg]RMTTQLLLLL